The following is an entry in ClinVar:

NM_001903.5(CTNNA1):c.703G>A (p.Ala235Thr)

Gene: CTNNA1 (catenin alpha 1; plus strand). Cytogenetic location: 5q31.2.
Variant type: single nucleotide variant.
Coding change: c.703G>A on transcript NM_001903.5 (MANE Select); coding-DNA position 703, G replaced by A.
Protein change: p.Ala235Thr; replaces alanine 235 with threonine.
Molecular consequence: missense variant.
Genome position (GRCh38, 1-based): chr5:138,824,644, G>A. VCF-style: chr5-138824644-G-A. GRCh37 (hg19) VCF-style: chr5-138160333-G-A.
Other names: c.703G>A, p.Ala235Thr (NM_001290307.3, NM_001323982.2, NM_001323983.1 and 3 more transcripts); c.394G>A, p.Ala132Thr (NM_001290309.3); c.334G>A, p.Ala112Thr (NM_001290310.3); short protein forms A112T, A235T, A132T.
Identifiers: ClinVar variation 661269 (VCV000661269.12), dbSNP rs548392885, ClinGen allele CA3431533.

ClinVar aggregate classification (germline): Conflicting classifications of pathogenicity. Review status: criteria provided, conflicting classifications (1 of 4 stars). 3 submissions from 3 submitters: Uncertain significance (2); Likely benign (1). Last evaluated 2025-12-14.

Conditions:
Hereditary cancer-predisposing syndrome. Also called: Neoplastic Syndromes, Hereditary; Hereditary Cancer Syndrome; Tumor predisposition; Hereditary neoplastic syndrome. Identifiers: Orphanet 140162, MedGen C0027672, MeSH D009386, MONDO:0015356.

Allele frequency attached by ClinVar (database versions not stated): ExAC 0.00001; gnomAD 0.00002 and 0.00003; TOPMed 0.00002.
gnomAD v4.1: 29 of 1,614,026 alleles (0.0018%); highest among the groups gnomAD compares: African/African-American, 0.0053%; no homozygotes.

Submissions (3):

Labcorp Genetics (formerly Invitae), Labcorp
Classification: Uncertain significance. Last evaluated: 2025-12-14. Review status: criteria provided, single submitter. Criteria: Invitae Variant Classification Sherloc (09022015). Collection method: clinical testing. Allele origin: germline.
Comment: This sequence change replaces alanine, which is neutral and non-polar, with threonine, which is neutral and polar, at codon 235 of the CTNNA1 protein (p.Ala235Thr). The frequency data for this variant in the population databases is considered unreliable, as metrics indicate poor data quality at this position in the gnomAD database. This variant has not been reported in the literature in individuals affected with CTNNA1-related conditions. ClinVar contains an entry for this variant (Variation ID: 661269). Invitae Evidence Modeling of protein sequence and biophysical properties (such as structural, functional, and spatial information, amino acid conservation, physicochemical variation, residue mobility, and thermodynamic stability) indicates that this missense variant is not expected to disrupt CTNNA1 protein function with a negative predictive value of 80%. In summary, the available evidence is currently insufficient to determine the role of this variant in disease. Therefore, it has been classified as a Variant of Uncertain Significance.

Ambry Genetics
Classification: Likely benign for Hereditary cancer-predisposing syndrome. Last evaluated: 2024-01-08. Review status: criteria provided, single submitter. Criteria: Ambry Variant Classification Scheme 2023. Collection method: clinical testing. Allele origin: germline.

Blueprint Genetics
Classification: Uncertain significance. Last evaluated: 2022-10-28. Review status: criteria provided, single submitter. Criteria: ACMG Guidelines, 2015. Collection method: clinical testing. Allele origin: germline.

Literature cited by the submitters: PubMed 32051609 (cited by Ambry Genetics).